The following is an entry in ClinVar:

ClinVar aggregate classification (germline): Uncertain significance (1 of 4 stars; one submission).

Conditions:
Hereditary breast ovarian cancer syndrome. Also called: Hereditary breast and/or ovarian cancer syndrome; Hereditary breast and ovarian cancer syndrome; Hereditary breast and ovarian cancer; Hereditary breast and ovarian cancer syndrome (HBOC); Breast and ovarian cancer; BRCA1- and BRCA2-Associated Hereditary Breast and Ovarian Cancer. Identifiers: Orphanet 145, MedGen C0677776, MeSH D061325, MONDO:0003582. Disease mechanism: loss of function.

Submission:

Labcorp Genetics (formerly Invitae), Labcorp
Classification: Uncertain significance for Hereditary breast ovarian cancer syndrome. Last evaluated: 2022-02-07. Review status: criteria provided, single submitter. Criteria: Invitae Variant Classification Sherloc (09022015). Collection method: clinical testing. Allele origin: germline.
Comment: In summary, the available evidence is currently insufficient to determine the role of this variant in disease. Therefore, it has been classified as a Variant of Uncertain Significance. Experimental studies have shown that sequence changes that disrupt this acceptor splice site may alter splicing of exon 13 (also referred to as exon 14 in the literature), resulting in the deletion of 1 amino acid of the BRCA1 protein, thereby preserving the integrity of the reading frame (PMID: 24569164, Invitae). This alternative in-frame transcript has also been reported to occur naturally in healthy individuals (PMID: 24569164). This variant has not been reported in the literature in individuals affected with BRCA1-related conditions. This variant is not present in population databases (gnomAD no frequency). This sequence change affects an acceptor splice site in intron 12 of the BRCA1 gene.

Literature cited by the submitters: PubMed 24569164.

NM_007294.4(BRCA1):c.4358-2A>T

Gene: BRCA1 (BRCA1 DNA repair associated; minus strand). Cytogenetic location: 17q21.31.
Variant type: single nucleotide variant.
Coding change: c.4358-2A>T on transcript NM_007294.4 (MANE Select); the canonical splice acceptor site of the intron before coding-DNA position 4358, A replaced by T.
Molecular consequence: splice acceptor variant. On other transcripts: intron variant (138).
Genome position (GRCh38, 1-based): chr17:43,076,616, T>A on the plus strand (A>T on the coding strand, the complement: BRCA1 is on the minus strand). VCF-style: chr17-43076616-T-A. GRCh37 (hg19) VCF-style: chr17-41228633-T-A.
Other names: c.4355-2A>T (NM_001407624.1, NM_001407612.1, NM_001407613.1 and 7 more transcripts); c.4358-5A>T (NM_001407858.1, NM_001407616.1, NM_001407618.1 and 7 more transcripts); c.4091-2A>T (NM_001407930.1, NM_001407933.1, NM_001407931.1 and 1 more transcripts); c.4214-5A>T (NM_001407843.1, NM_001407841.1, NM_001407839.1 and 8 more transcripts); c.908-2A>T (NM_001408456.1, NM_001408453.1, NM_001408455.1 and 3 more transcripts); c.4217-5A>T (NM_001407733.1, NM_001407739.1, NM_001407737.1 and 7 more transcripts); c.4424-5A>T (NM_007300.4, NM_001407585.1, NM_001407583.1); c.4424-2A>T (NM_001407581.1, NM_001407582.1); and 98 more.
Identifiers: ClinVar variation 2094442 (VCV002094442.4), dbSNP rs1555582723, ClinGen allele CA10592831.